The following is an entry in ClinVar:

NM_000562.3(C8A):c.1355A>G (p.Tyr452Cys)

Gene: C8A (complement C8 alpha chain; plus strand). Cytogenetic location: 1p32.2.
Variant type: single nucleotide variant.
Coding change: c.1355A>G on transcript NM_000562.3 (MANE Select); coding-DNA position 1355, A replaced by G.
Protein change: p.Tyr452Cys; replaces tyrosine 452 with cysteine.
Molecular consequence: missense variant.
Genome position (GRCh38, 1-based): chr1:56,908,088, A>G. VCF-style: chr1-56908088-A-G. GRCh37 (hg19) VCF-style: chr1-57373761-A-G.
Other names: short protein forms Y452C.
Identifiers: ClinVar variation 2121700 (VCV002121700.4), dbSNP rs1037415351, ClinGen allele CA22839017.
Genomic context (GRCh38, chr1:56,908,088, plus strand): 5'-GTGGCTTGGCACAGAACAGGAGCACCATTACATACCGTTCCTGGGGGAGGTCATTAAAGT[A>G]TAATCCTGTTGTTATCGATTTTGAGGTAAGTCTTTTCGCAGTTGAAGAAACTCTACGTCC-3'
Protein context (NP_000553.1, residues 442-462): TYRSWGRSLK[Tyr452Cys]NPVVIDFEMQ

ClinVar aggregate classification (germline): Uncertain significance (1 of 4 stars; one submission).

gnomAD v4.1: 3 of 1,614,208 alleles (0.00019%); no homozygotes.

Submission:

Labcorp Genetics (formerly Invitae), Labcorp
Classification: Uncertain significance. Last evaluated: 2025-03-03. Review status: criteria provided, single submitter. Criteria: Invitae Variant Classification Sherloc (09022015). Collection method: clinical testing. Allele origin: germline.
Comment: This sequence change replaces tyrosine, which is neutral and polar, with cysteine, which is neutral and slightly polar, at codon 452 of the C8A protein (p.Tyr452Cys). This variant is not present in population databases (gnomAD no frequency). This variant has not been reported in the literature in individuals affected with C8A-related conditions. ClinVar contains an entry for this variant (Variation ID: 2121700). An algorithm developed to predict the effect of missense changes on protein structure and function (PolyPhen-2) suggests that this variant is likely to be disruptive. In summary, the available evidence is currently insufficient to determine the role of this variant in disease. Therefore, it has been classified as a Variant of Uncertain Significance.